The following is an entry in ClinVar:

ClinVar aggregate classification (germline): Uncertain significance (1 of 4 stars; one submission).

Conditions:
Bardet-Biedl syndrome (BBS). Identifiers: Orphanet 110, MedGen C0752166, MONDO:0015229.

Submission:

Labcorp Genetics (formerly Invitae), Labcorp
Classification: Uncertain significance for Bardet-Biedl syndrome. Last evaluated: 2022-08-09. Review status: criteria provided, single submitter. Criteria: Invitae Variant Classification Sherloc (09022015). Collection method: clinical testing. Allele origin: germline.
Comment: This sequence change falls in intron 4 of the BBS2 gene. It does not directly change the encoded amino acid sequence of the BBS2 protein. This variant is not present in population databases (gnomAD no frequency). This variant has not been reported in the literature in individuals affected with BBS2-related conditions. Algorithms developed to predict the effect of sequence changes on RNA splicing suggest that this variant may disrupt the consensus splice site. In summary, the available evidence is currently insufficient to determine the role of this variant in disease. Therefore, it has been classified as a Variant of Uncertain Significance.

NM_031885.5(BBS2):c.535-4_535-3insA

Gene: BBS2 (Bardet-Biedl syndrome 2; minus strand). Cytogenetic location: 16q13.
Variant type: Insertion.
Coding change: c.535-4_535-3insA on transcript NM_031885.5 (MANE Select); 4 bases into the intron before coding-DNA position 535 through 3 bases into the intron before coding-DNA position 535, A inserted.
Molecular consequence: intron variant.
Genome position: GRCh38 VCF-style: chr16-56510037-G-GT. GRCh37 (hg19) VCF-style: chr16-56543949-G-GT.
Other names: c.535-4_535-3insA (NM_001377456.1).
Identifiers: ClinVar variation 2023093 (VCV002023093.1), dbSNP rs2543729813, ClinGen allele CA2580091635.